The following is an entry in ClinVar:

NM_000535.7(PMS2):c.1937G>C (p.Arg646Thr)

Gene: PMS2 (PMS1 homolog 2, mismatch repair system component; minus strand). Cytogenetic location: 7p22.1.
Variant type: single nucleotide variant.
Coding change: c.1937G>C on transcript NM_000535.7 (MANE Select); coding-DNA position 1937, G replaced by C.
Protein change: p.Arg646Thr; replaces arginine 646 with threonine.
Molecular consequence: missense variant. On other transcripts: non-coding transcript variant (1).
Genome position (GRCh38, 1-based): chr7:5,986,828, C>G on the plus strand (G>C on the coding strand, the complement: PMS2 is on the minus strand). VCF-style: chr7-5986828-C-G. GRCh37 (hg19) VCF-style: chr7-6026459-C-G.
Other names: c.1532G>C, p.Arg511Thr (NM_001322003.2, NM_001322004.2, NM_001322005.2 and 1 more transcripts); c.1781G>C, p.Arg594Thr (NM_001322006.2); c.1619G>C, p.Arg540Thr (NM_001322007.2, NM_001322008.2); c.1376G>C, p.Arg459Thr (NM_001322010.2); c.1004G>C, p.Arg335Thr (NM_001322011.2, NM_001322012.2); c.1364G>C, p.Arg455Thr (NM_001322013.2); c.1937G>C, p.Arg646Thr (NM_001322014.2); c.1628G>C, p.Arg543Thr (NM_001322015.2); and 1 more; short protein forms R459T, R594T, R335T, R455T, R511T, R540T, R543T, R646T.
Identifiers: ClinVar variation 919514 (VCV000919514.10), dbSNP rs372341850, ClinGen allele CA366739165.
Genomic context (GRCh38, chr7:5,986,828, plus strand): 5'-TTTCTTAGTTCATCTTCGGCTGCTTGATTTTCTCCAGGACAAATCTTTGCCCTAAACTTC[C>G]TGTAATTCTGTTCCCCTTCACTTTGCTGTGCTTCATGATGTAACTGCTTTATTCGTTTAG-3'
Protein context (NP_000526.2, residues 636-656): AQQSEGEQNY[Arg646Thr]KFRAKICPGE

ClinVar aggregate classification (germline): Uncertain significance. Review status: criteria provided, multiple submitters, no conflicts (2 of 4 stars). 3 submissions from 3 submitters: Uncertain significance (3). Last evaluated 2025-09-10.

Conditions:
Hereditary nonpolyposis colorectal neoplasms. Identifiers: MedGen C0009405, MeSH D003123.
Hereditary cancer-predisposing syndrome. Also called: Neoplastic Syndromes, Hereditary; Tumor predisposition; Hereditary Cancer Syndrome; Hereditary neoplastic syndrome. Identifiers: Orphanet 140162, MedGen C0027672, MeSH D009386, MONDO:0015356.

Submissions (3):

Ambry Genetics
Classification: Uncertain significance for Hereditary cancer-predisposing syndrome. Last evaluated: 2025-09-10. Review status: criteria provided, single submitter. Criteria: Ambry Variant Classification Scheme 2023. Collection method: clinical testing. Allele origin: germline.
Comment: The p.R646T variant (also known as c.1937G>C), located in coding exon 11 of the PMS2 gene, results from a G to C substitution at nucleotide position 1937. The arginine at codon 646 is replaced by threonine, an amino acid with similar properties. This amino acid position is highly conserved in available vertebrate species. In addition, the in silico prediction for this alteration is inconclusive. Since supporting evidence is limited at this time, the clinical significance of this alteration remains unclear.

Labcorp Genetics (formerly Invitae), Labcorp
Classification: Uncertain significance for Hereditary nonpolyposis colorectal neoplasms. Last evaluated: 2024-06-15. Review status: criteria provided, single submitter. Criteria: Invitae Variant Classification Sherloc (09022015). Collection method: clinical testing. Allele origin: germline.
Comment: This sequence change replaces arginine, which is basic and polar, with threonine, which is neutral and polar, at codon 646 of the PMS2 protein (p.Arg646Thr). This variant is not present in population databases (gnomAD no frequency). This variant has not been reported in the literature in individuals affected with PMS2-related conditions. ClinVar contains an entry for this variant (Variation ID: 919514). Advanced modeling of protein sequence and biophysical properties (such as structural, functional, and spatial information, amino acid conservation, physicochemical variation, residue mobility, and thermodynamic stability) performed at Invitae indicates that this missense variant is expected to disrupt PMS2 protein function with a positive predictive value of 80%. In summary, the available evidence is currently insufficient to determine the role of this variant in disease. Therefore, it has been classified as a Variant of Uncertain Significance.

Color Diagnostics, LLC DBA Color Health
Classification: Uncertain significance for Hereditary cancer-predisposing syndrome. Last evaluated: 2019-04-09. Review status: criteria provided, single submitter. Criteria: ACMG Guidelines, 2015. Collection method: clinical testing. Allele origin: germline.